The following is an entry in ClinVar:

NM_000038.6(APC):c.4792G>C (p.Ala1598Pro)

Gene: APC (APC regulator of Wnt signaling pathway; plus strand). Cytogenetic location: 5q22.2.
Variant type: single nucleotide variant.
Coding change: c.4792G>C on transcript NM_000038.6 (MANE Select); coding-DNA position 4792, G replaced by C.
Protein change: p.Ala1598Pro; replaces alanine 1598 with proline.
Molecular consequence: missense variant.
Genome position (GRCh38, 1-based): chr5:112,840,386, G>C. VCF-style: chr5-112840386-G-C. GRCh37 (hg19) VCF-style: chr5-112176083-G-C.
Other names: c.4792G>C (NM_000038.5); c.4792G>C, p.Ala1598Pro (NM_001127510.3, NM_001354895.2, NM_001407450.1); c.4738G>C, p.Ala1580Pro (NM_001127511.3); c.4846G>C, p.Ala1616Pro (NM_001354896.2, NM_001407447.1, NM_001407448.1 and 1 more transcripts); c.4822G>C, p.Ala1608Pro (NM_001354897.2); c.4717G>C, p.Ala1573Pro (NM_001354898.2); c.4708G>C, p.Ala1570Pro (NM_001354899.2); c.4669G>C, p.Ala1557Pro (NM_001354900.2); and 12 more; short protein forms A1214P, A1539P, A1557P, A1580P, A1588P, A1626P, A1315P, A1472P.
Identifiers: ClinVar variation 2118647 (VCV002118647.5), dbSNP rs1315936931, ClinGen allele CA16031834.

ClinVar aggregate classification (germline): Uncertain significance. Review status: criteria provided, multiple submitters, no conflicts (2 of 4 stars). 2 submissions from 2 submitters: Uncertain significance (2). Last evaluated 2025-06-24.

Conditions:
Hereditary cancer-predisposing syndrome. Also called: Hereditary Cancer Syndrome; Tumor predisposition; Neoplastic Syndromes, Hereditary; Hereditary neoplastic syndrome. Identifiers: Orphanet 140162, MedGen C0027672, MeSH D009386, MONDO:0015356.
Familial adenomatous polyposis 1 (FAP1). Also called: POLYPOSIS, ADENOMATOUS INTESTINAL; FAMILIAL ADENOMATOUS POLYPOSIS 1, ATTENUATED. Identifiers: MedGen C2713442, MONDO:0021056, OMIM 175100. Disease mechanism: loss of function.

Submissions (2):

Labcorp Genetics (formerly Invitae), Labcorp
Classification: Uncertain significance for Familial adenomatous polyposis 1. Last evaluated: 2025-06-24. Review status: criteria provided, single submitter. Criteria: Invitae Variant Classification Sherloc (09022015). Collection method: clinical testing. Allele origin: germline.
Comment: This sequence change replaces alanine, which is neutral and non-polar, with proline, which is neutral and non-polar, at codon 1598 of the APC protein (p.Ala1598Pro). This variant is not present in population databases (gnomAD no frequency). This variant has not been reported in the literature in individuals affected with APC-related conditions. ClinVar contains an entry for this variant (Variation ID: 2118647). Invitae Evidence Modeling of protein sequence and biophysical properties (such as structural, functional, and spatial information, amino acid conservation, physicochemical variation, residue mobility, and thermodynamic stability) indicates that this missense variant is not expected to disrupt APC protein function with a negative predictive value of 95%. In summary, the available evidence is currently insufficient to determine the role of this variant in disease. Therefore, it has been classified as a Variant of Uncertain Significance.

Ambry Genetics
Classification: Uncertain significance for Hereditary cancer-predisposing syndrome. Last evaluated: 2025-02-12. Review status: criteria provided, single submitter. Criteria: Ambry Variant Classification Scheme 2023. Collection method: clinical testing. Allele origin: germline.
Comment: The p.A1598P variant (also known as c.4792G>C), located in coding exon 15 of the APC gene, results from a G to C substitution at nucleotide position 4792. The alanine at codon 1598 is replaced by proline, an amino acid with highly similar properties. This amino acid position is conserved. In addition, in silico predictors for this gene do not accurately predict pathogenicity. Based on the available evidence, the clinical significance of this variant remains unclear.